The following is an entry in ClinVar:

NM_004360.5(CDH1):c.2421T>G (p.Ile807Met)

Gene: CDH1 (cadherin 1; plus strand). Cytogenetic location: 16q22.1.
Variant type: single nucleotide variant.
Coding change: c.2421T>G on transcript NM_004360.5 (MANE Select); coding-DNA position 2421, T replaced by G.
Protein change: p.Ile807Met; replaces isoleucine 807 with methionine.
Molecular consequence: missense variant.
Genome position (GRCh38, 1-based): chr16:68,829,779, T>G. VCF-style: chr16-68829779-T-G. GRCh37 (hg19) VCF-style: chr16-68863682-T-G.
Other names: c.2238T>G, p.Ile746Met (NM_001317184.2); c.873T>G, p.Ile291Met (NM_001317185.2); c.456T>G, p.Ile152Met (NM_001317186.2); short protein forms I152M, I291M, I746M, I807M.
Identifiers: ClinVar variation 3224174 (VCV003224174.1), dbSNP rs761852331, ClinGen allele CA8130272.

ClinVar aggregate classification (germline): Uncertain significance (1 of 4 stars; one submission).

Conditions:
Hereditary cancer-predisposing syndrome. Also called: Tumor predisposition; Hereditary neoplastic syndrome; Hereditary Cancer Syndrome; Neoplastic Syndromes, Hereditary. Identifiers: Orphanet 140162, MedGen C0027672, MeSH D009386, MONDO:0015356.

Allele frequency attached by ClinVar (database versions not stated): gnomAD exomes below 0.00001; ExAC 0.00001.
gnomAD v4.1: 1 of 1,613,958 alleles (0.000062%); highest among the groups gnomAD compares: Non-Finnish European, 0.000085%; no homozygotes.

Submission:

Ambry Genetics
Classification: Uncertain significance for Hereditary cancer-predisposing syndrome. Last evaluated: 2024-02-17. Review status: criteria provided, single submitter. Criteria: Ambry Variant Classification Scheme 2023. Collection method: clinical testing. Allele origin: germline.
Comment: The p.I807M variant (also known as c.2421T>G), located in coding exon 15 of the CDH1 gene, results from a T to G substitution at nucleotide position 2421. The isoleucine at codon 807 is replaced by methionine, an amino acid with highly similar properties. This amino acid position is conserved. In addition, the in silico prediction for this alteration is inconclusive. Based on the available evidence, the clinical significance of this alteration remains unclear.